The following is an entry in ClinVar:

NM_002691.4(POLD1):c.488A>G (p.Asp163Gly)

Gene: POLD1 (DNA polymerase delta 1, catalytic subunit; plus strand). Cytogenetic location: 19q13.33.
Variant type: single nucleotide variant.
Coding change: c.488A>G on transcript NM_002691.4 (MANE Select); coding-DNA position 488, A replaced by G.
Protein change: p.Asp163Gly; replaces aspartic acid 163 with glycine.
Molecular consequence: missense variant. On other transcripts: non-coding transcript variant (1).
Genome position (GRCh38, 1-based): chr19:50,402,023, A>G. VCF-style: chr19-50402023-A-G. GRCh37 (hg19) VCF-style: chr19-50905280-A-G.
Other names: c.488A>G, p.Asp163Gly (NM_001256849.1, NM_001308632.1); short protein forms D163G.
Identifiers: ClinVar variation 1743836 (VCV001743836.2), dbSNP rs2122237715, ClinGen allele CA406972984.

ClinVar aggregate classification (germline): Uncertain significance (1 of 4 stars; one submission).

Conditions:
Hereditary cancer-predisposing syndrome. Also called: Hereditary Cancer Syndrome; Neoplastic Syndromes, Hereditary; Tumor predisposition; Hereditary neoplastic syndrome. Identifiers: Orphanet 140162, MedGen C0027672, MeSH D009386, MONDO:0015356.

Submission:

Ambry Genetics
Classification: Uncertain significance for Hereditary cancer-predisposing syndrome. Last evaluated: 2021-09-30. Review status: criteria provided, single submitter. Criteria: Ambry Variant Classification Scheme 2023. Collection method: clinical testing. Allele origin: germline.
Comment: The p.D163G variant (also known as c.488A>G), located in coding exon 4 of the POLD1 gene, results from an A to G substitution at nucleotide position 488. The aspartic acid at codon 163 is replaced by glycine, an amino acid with similar properties. This amino acid position is conserved. In addition, this alteration is predicted to be tolerated by in silico analysis. Since supporting evidence is limited at this time, the clinical significance of this alteration remains unclear.